The following is an entry in ClinVar:

NM_001844.5(COL2A1):c.2457C>T (p.Gly819=)

Gene: COL2A1 (collagen type II alpha 1 chain; minus strand). Cytogenetic location: 12q13.11.
Variant type: single nucleotide variant.
Coding change: c.2457C>T on transcript NM_001844.5 (MANE Select); coding-DNA position 2457, C replaced by T.
Protein change: p.Gly819=; no amino-acid change (glycine 819 retained).
Molecular consequence: synonymous variant.
Genome position (GRCh38, 1-based): chr12:47,981,349, G>A on the plus strand (C>T on the coding strand, the complement: COL2A1 is on the minus strand). VCF-style: chr12-47981349-G-A. GRCh37 (hg19) VCF-style: chr12-48375132-G-A.
Other names: c.2250C>T, p.Gly750= (NM_033150.3).
Identifiers: ClinVar variation 1134645 (VCV001134645.21), dbSNP rs145833071, ClinGen allele CA6535095.

ClinVar aggregate classification (germline): Likely benign. Review status: criteria provided, multiple submitters, no conflicts (2 of 4 stars). 5 submissions from 5 submitters: Likely benign (4). 1 of the submissions does not count toward it. Last evaluated 2025-09-22.

Conditions:
COL2A1-related disorder. Also called: COL2A1-related condition; COL2A1-related disorders.

Allele frequency attached by ClinVar (database versions not stated): gnomAD exomes 0.00002; ExAC 0.00003; gnomAD 0.00004 and 0.00005; ESP Exome Variant Server 0.00008.

Submissions (5):

Labcorp Genetics (formerly Invitae), Labcorp
Classification: Likely benign. Last evaluated: 2025-09-22. Review status: criteria provided, single submitter. Criteria: Invitae Variant Classification Sherloc (09022015). Collection method: clinical testing. Allele origin: germline.

CeGaT Center for Human Genetics Tuebingen
Classification: Likely benign. Last evaluated: 2025-08-01. Review status: criteria provided, single submitter. Criteria: CeGaT Center For Human Genetics Tuebingen Variant Classification Criteria Version 2. Collection method: clinical testing. Allele origin: germline. Affected: yes. Observed: 1 variant allele.
Comment: COL2A1: BP4, BP7

Blueprint Genetics
Classification: Likely benign. Last evaluated: 2024-04-16. Review status: criteria provided, single submitter. Criteria: ACMG Guidelines, 2015. Collection method: clinical testing. Allele origin: germline.

GeneDx
Classification: Likely benign. Last evaluated: 2019-07-10. Review status: criteria provided, single submitter. Criteria: GeneDx Variant Classification Process June 2021. Collection method: clinical testing. Allele origin: germline. Affected: yes.

PreventionGenetics, part of Exact Sciences
Classification: Likely benign for COL2A1-related condition. Last evaluated: 2020-02-18. Review status: no assertion criteria provided. Collection method: clinical testing. Allele origin: germline. Not counted in ClinVar's aggregate classification.
Comment: This variant is classified as likely benign based on ACMG/AMP sequence variant interpretation guidelines (Richards et al. 2015 PMID: 25741868, with internal and published modifications).